The following is an entry in ClinVar:

ClinVar aggregate classification (germline): Conflicting classifications of pathogenicity. Review status: criteria provided, conflicting classifications (1 of 4 stars). 7 submissions from 7 submitters: Uncertain significance (2); Likely benign (3). 2 of the submissions do not count toward it. Last evaluated 2026-01-12.

Conditions:
Epidermolysis bullosa simplex with nail dystrophy (EBS5D). Identifiers: MedGen C4225309, MONDO:0014661, OMIM 616487.
Autosomal recessive limb-girdle muscular dystrophy type 2Q (LGMDR17). Also called: MUSCULAR DYSTROPHY, LIMB-GIRDLE, AUTOSOMAL RECESSIVE 17. Identifiers: Orphanet 254361, MedGen C3150989, MONDO:0013390, OMIM 613723.
Epidermolysis bullosa simplex, Ogna type (EBS5A). Also called: Pidermolysis bullosa simplex 5A, Ogna type; EPIDERMOLYSIS BULLOSA SIMPLEX 5A, OGNA TYPE. Identifiers: Orphanet 79401, MedGen C0432317, MONDO:0007555, OMIM 131950.
Epidermolysis bullosa simplex 5B, with muscular dystrophy (EBS5B). Also called: Epidermolysis bullosa simplex with muscular dystrophy; EPIDERMOLYSIS BULLOSA SIMPLEX AND LIMB-GIRDLE MUSCULAR DYSTROPHY. Identifiers: Orphanet 257, MedGen C2931072, MONDO:0009181, OMIM 226670.
Epidermolysis bullosa simplex 5C, with pyloric atresia (EBS5C). Also called: PLEC-Related Epidermolysis Bullosa with Pyloric Atresia; Epidermolysis bullosa simplex with pyloric atresia; PLEC1-Related Epidermolysis Bullosa with Pyloric Atresia. Identifiers: Orphanet 158684, MedGen C2677349, MONDO:0012807, OMIM 612138.
Inborn genetic diseases. Identifiers: MedGen C0950123, MeSH D030342.
PLEC-related disorder. Also called: PLEC-related disorders; PLEC-related condition.

Allele frequency attached by ClinVar (database versions not stated): ESP Exome Variant Server 0.00024; TOPMed 0.00028; ExAC 0.00030; gnomAD exomes 0.00032.

Submissions (7):

Labcorp Genetics (formerly Invitae), Labcorp
Classification: Likely benign for Autosomal recessive limb-girdle muscular dystrophy type 2Q; Epidermolysis bullosa simplex, Ogna type; Epidermolysis bullosa simplex with nail dystrophy; Epidermolysis bullosa simplex 5C, with pyloric atresia; Epidermolysis bullosa simplex 5B, with muscular dystrophy. Last evaluated: 2026-01-12. Review status: criteria provided, single submitter. Criteria: Invitae Variant Classification Sherloc (09022015). Collection method: clinical testing. Allele origin: germline.

Athena Diagnostics
Classification: Likely benign. Last evaluated: 2024-10-17. Review status: criteria provided, single submitter. Criteria: Athena Diagnostics Criteria. Collection method: clinical testing. Allele origin: unknown.

Ambry Genetics
Classification: Uncertain significance for Inborn genetic diseases. Last evaluated: 2021-11-05. Review status: criteria provided, single submitter. Criteria: Ambry Variant Classification Scheme 2023. Collection method: clinical testing. Allele origin: germline.

GeneDx
Classification: Likely benign. Last evaluated: 2016-05-31. Review status: criteria provided, single submitter. Criteria: GeneDx Variant Classification (06012015). Collection method: clinical testing. Allele origin: germline. Affected: yes.
Comment: This variant is considered likely benign or benign based on one or more of the following criteria: it is a conservative change, it occurs at a poorly conserved position in the protein, it is predicted to be benign by multiple in silico algorithms, and/or has population frequency not consistent with disease.

CeGaT Center for Human Genetics Tuebingen
Classification: Uncertain significance. Last evaluated: 2016-05-01. Review status: criteria provided, single submitter. Criteria: CeGaT Center For Human Genetics Tuebingen Variant Classification Criteria Version 2. Collection method: clinical testing. Allele origin: germline. Affected: yes. Observed: 1 variant allele.

PreventionGenetics, part of Exact Sciences
Classification: Likely benign for PLEC-related condition. Last evaluated: 2023-12-18. Review status: no assertion criteria provided. Collection method: clinical testing. Allele origin: germline. Not counted in ClinVar's aggregate classification.
Comment: This variant is classified as likely benign based on ACMG/AMP sequence variant interpretation guidelines (Richards et al. 2015 PMID: 25741868, with internal and published modifications).

Department of Pathology and Laboratory Medicine, Sinai Health System
Classification: Likely benign for Epidermolysis bullosa simplex 5B, with muscular dystrophy. Review status: no assertion criteria provided. Collection method: clinical testing. Allele origin: unknown. Affected: yes. Study: The Canadian Open Genetics Repository (COGR). Not counted in ClinVar's aggregate classification.
Comment: The PLEC p.V3355L variant was not identified in the literature but was identified in dbSNP (ID: rs201373953) and ClinVar (classified as likely benign by GeneDx and Invitae; and as uncertain significance by CeGaT Praxis). The variant was identified in control databases in 82 of 274238 chromosomes at a frequency of 0.0002990, and was observed at the highest frequency in the European (non-Finnish) population in 49 of 125364 chromosomes (freq: 0.0003909) (Genome Aggregation Database March 6, 2019, v2.1.1). The p.V3355 residue is not highly conserved in mammals and computational analyses (MUT Assesor, PolyPhen-2, SIFT, MutationTaster, Revel, FATHMM, MetaLR, DANN) do not suggest a high likelihood of impact to the protein; this information is not predictive enough to rule out pathogenicity. The variant occurs outside of the splicing consensus sequence and in silico or computational prediction software programs (Splice AI exome) do not predict a difference in splicing. In summary, based on the above information the clinical significance of this variant cannot be determined with certainty at this time although we would lean towards a more benign role for this variant. This variant is classified as likely benign.

NM_201384.3(PLEC):c.10105G>T (p.Val3369Leu)

Gene: PLEC (plectin; minus strand). Cytogenetic location: 8q24.3.
Variant type: single nucleotide variant.
Coding change: c.10105G>T on transcript NM_201384.3 (MANE Select); coding-DNA position 10105, G replaced by T.
Protein change: p.Val3369Leu; replaces valine 3369 with leucine.
Molecular consequence: missense variant.
Genome position (GRCh38, 1-based): chr8:143,919,716, C>A on the plus strand (G>T on the coding strand, the complement: PLEC is on the minus strand). VCF-style: chr8-143919716-C-A. GRCh37 (hg19) VCF-style: chr8-144993884-C-A.
Other names: c.10186G>T, p.Val3396Leu (NM_000445.5); c.10063G>T, p.Val3355Leu (NM_201378.4); c.10039G>T, p.Val3347Leu (NM_201379.3); c.10516G>T, p.Val3506Leu (NM_201380.4); c.10009G>T, p.Val3337Leu (NM_201381.3); c.10105G>T, p.Val3369Leu (NM_201382.4); c.10117G>T, p.Val3373Leu (NM_201383.3); short protein forms V3337L, V3347L, V3355L, V3369L, V3373L, V3396L, V3506L.
Identifiers: ClinVar variation 386249 (VCV000386249.55), dbSNP rs201373953, ClinGen allele CA4924751.